The following is an entry in ClinVar:

NM_015662.3(IFT172):c.1964C>T (p.Ala655Val)

Gene: IFT172 (intraflagellar transport 172; minus strand). Cytogenetic location: 2p23.3.
Variant type: single nucleotide variant.
Coding change: c.1964C>T on transcript NM_015662.3 (MANE Select); coding-DNA position 1964, C replaced by T.
Protein change: p.Ala655Val; replaces alanine 655 with valine.
Molecular consequence: missense variant.
Genome position (GRCh38, 1-based): chr2:27,463,155, G>A on the plus strand (C>T on the coding strand, the complement: IFT172 is on the minus strand). VCF-style: chr2-27463155-G-A. GRCh37 (hg19) VCF-style: chr2-27686022-G-A.
Other names: c.1964C>T (NM_015662.2); short protein forms A655V.
Identifiers: ClinVar variation 1643150 (VCV001643150.11), dbSNP rs370407165, ClinGen allele CA1580469.

ClinVar aggregate classification (germline): Conflicting classifications of pathogenicity. Review status: criteria provided, conflicting classifications (1 of 4 stars). 3 submissions from 3 submitters: Uncertain significance (1); Likely benign (1). 1 of the submissions does not count toward it. Last evaluated 2025-11-22.

Conditions:
IFT172-related disorder. Also called: IFT172-related condition; IFT172-related disorders.
Short-rib thoracic dysplasia 10 with or without polydactyly (SRTD10). Identifiers: Orphanet 474, MedGen C3810175, MONDO:0014284, OMIM 615630.
Bardet-Biedl syndrome 20. Identifiers: MedGen C4310707, MONDO:0023670, OMIM 619471, MONDO:0014926.
Retinitis pigmentosa 71 (RP71). Identifiers: Orphanet 791, MedGen C4225342, MONDO:0014618, OMIM 616394.

Allele frequency attached by ClinVar (database versions not stated): gnomAD 0.00003 and 0.00004; TOPMed 0.00003; ExAC 0.00007; ESP Exome Variant Server 0.00008; gnomAD exomes 0.00010.
gnomAD v4.1: 72 of 1,613,998 alleles (0.0045%); highest among the groups gnomAD compares: Non-Finnish European, 0.00042%; no homozygotes.

Submissions (3):

Labcorp Genetics (formerly Invitae), Labcorp
Classification: Likely benign for Retinitis pigmentosa 71; Short-rib thoracic dysplasia 10 with or without polydactyly. Last evaluated: 2025-11-22. Review status: criteria provided, single submitter. Criteria: Invitae Variant Classification Sherloc (09022015). Collection method: clinical testing. Allele origin: germline.

Fulgent Genetics
Classification: Uncertain significance for Short-rib thoracic dysplasia 10 with or without polydactyly; Retinitis pigmentosa 71; Bardet-Biedl syndrome 20. Last evaluated: 2024-05-10. Review status: criteria provided, single submitter. Criteria: ACMG Guidelines, 2015. Collection method: clinical testing. Allele origin: germline.

PreventionGenetics, part of Exact Sciences
Classification: Likely benign for IFT172-related condition. Last evaluated: 2021-01-05. Review status: no assertion criteria provided. Collection method: clinical testing. Allele origin: germline. Not counted in ClinVar's aggregate classification.
Comment: This variant is classified as likely benign based on ACMG/AMP sequence variant interpretation guidelines (Richards et al. 2015 PMID: 25741868, with internal and published modifications).